The following is an entry in ClinVar:

NM_001130987.2(DYSF):c.55C>T (p.Arg19Trp)

Gene: DYSF (dysferlin; plus strand). Cytogenetic location: 2p13.2.
Variant type: single nucleotide variant.
Coding change: c.55C>T on transcript NM_001130987.2 (MANE Select); coding-DNA position 55, C replaced by T.
Protein change: p.Arg19Trp; replaces arginine 19 with tryptophan.
Molecular consequence: missense variant. On other transcripts: intron variant (7).
Genome position (GRCh38, 1-based): chr2:71,466,897, C>T. VCF-style: chr2-71466897-C-T. GRCh37 (hg19) VCF-style: chr2-71694027-C-T.
Other names: c.55C>T, p.Arg19Trp (NM_001130455.2, NM_001130982.2, NM_001130983.2 and 3 more transcripts); c.88+12811C>T (NM_001130979.2, NM_001130981.2, NM_001130980.2 and 4 more transcripts); short protein forms R19W.
Identifiers: ClinVar variation 1034005 (VCV001034005.1), dbSNP rs931174858, ClinGen allele CA49739322.

ClinVar aggregate classification (germline): Uncertain significance (1 of 4 stars; one submission).

Conditions:
Miyoshi muscular dystrophy 1 (MMD1). Identifiers: Orphanet 45448, MedGen C4551973, MONDO:0024545, OMIM 254130.

Allele frequency attached by ClinVar (database versions not stated): TOPMed 0.00002.
gnomAD v4.1: 76 of 1,549,948 alleles (0.0049%); highest among the groups gnomAD compares: Non-Finnish European, 0.0065%; no homozygotes.

Submission:

Baylor Genetics
Classification: Uncertain significance for Miyoshi muscular dystrophy 1. Last evaluated: 2018-02-12. Review status: criteria provided, single submitter. Criteria: ACMG Guidelines, 2015. Collection method: clinical testing. Allele origin: maternal. Affected: yes.
Comment: This variant was determined to be of uncertain significance according to ACMG Guidelines, 2015 [PMID:25741868].